The following is an entry in ClinVar:

ClinVar aggregate classification (germline): Uncertain significance. Review status: criteria provided, multiple submitters, no conflicts (2 of 4 stars). 2 submissions from 2 submitters: Uncertain significance (2). Last evaluated 2024-03-12.

Allele frequency attached by ClinVar (database versions not stated): ESP Exome Variant Server 0.00008; gnomAD 0.00011; gnomAD exomes 0.00011; TOPMed 0.00012; 1000 Genomes Project 30x 0.00016; 1000 Genomes Project 0.00020; ExAC 0.00025.
gnomAD v4.1: 114 of 1,596,638 alleles (0.0071%); highest among the groups gnomAD compares: African/African-American, 0.024%; no homozygotes.

Submissions (2):

Blueprint Genetics
Classification: Uncertain significance. Last evaluated: 2024-03-12. Review status: criteria provided, single submitter. Criteria: ACMG Guidelines, 2015. Collection method: clinical testing. Allele origin: germline.

Labcorp Genetics (formerly Invitae), Labcorp
Classification: Uncertain significance. Last evaluated: 2022-10-24. Review status: criteria provided, single submitter. Criteria: Invitae Variant Classification Sherloc (09022015). Collection method: clinical testing. Allele origin: germline.
Comment: This sequence change replaces arginine, which is basic and polar, with cysteine, which is neutral and slightly polar, at codon 1200 of the COL18A1 protein (p.Arg1200Cys). This variant is present in population databases (rs371038039, gnomAD 0.04%). This variant has not been reported in the literature in individuals affected with COL18A1-related conditions. ClinVar contains an entry for this variant (Variation ID: 1064277). Experimental studies and prediction algorithms are not available or were not evaluated, and the functional significance of this variant is currently unknown. In summary, the available evidence is currently insufficient to determine the role of this variant in disease. Therefore, it has been classified as a Variant of Uncertain Significance.

NM_001379500.1(COL18A1):c.3607C>T (p.Arg1203Cys)

Genes: COL18A1 (collagen type XVIII alpha 1 chain; plus strand), SLC19A1 (solute carrier family 19 member 1; minus strand). Cytogenetic location: 21q22.3.
Variant type: single nucleotide variant.
Coding change: c.3607C>T on transcript NM_001379500.1 (MANE Select); coding-DNA position 3607, C replaced by T.
Protein change: p.Arg1203Cys; replaces arginine 1203 with cysteine.
Molecular consequence: missense variant.
Genome position (GRCh38, 1-based): chr21:45,510,175, C>T. VCF-style: chr21-45510175-C-T. GRCh37 (hg19) VCF-style: chr21-46930089-C-T.
Other names: c.4138C>T, p.Arg1380Cys (NM_030582.4); c.4843C>T, p.Arg1615Cys (NM_130444.3); short protein forms R1203C, R1380C, R1615C.
Identifiers: ClinVar variation 1064277 (VCV001064277.5), dbSNP rs371038039, ClinGen allele CA10067972.